The following is an entry in ClinVar:

NM_020297.4(ABCC9):c.952A>G (p.Ile318Val)

Gene: ABCC9 (ATP binding cassette subfamily C member 9; minus strand). Cytogenetic location: 12p12.1.
Variant type: single nucleotide variant.
Coding change: c.952A>G on transcript NM_020297.4 (MANE Select); coding-DNA position 952, A replaced by G.
Protein change: p.Ile318Val; replaces isoleucine 318 with valine.
Molecular consequence: missense variant.
Genome position (GRCh38, 1-based): chr12:21,912,931, T>C on the plus strand (A>G on the coding strand, the complement: ABCC9 is on the minus strand). VCF-style: chr12-21912931-T-C. GRCh37 (hg19) VCF-style: chr12-22065865-T-C.
Other names: c.952A>G, p.Ile318Val (NM_001377273.1, NM_005691.4); c.88A>G, p.Ile30Val (NM_001377274.1); short protein forms I30V, I318V.
Identifiers: ClinVar variation 3626441 (VCV003626441.2).

ClinVar aggregate classification (germline): Uncertain significance (1 of 4 stars; one submission).

Conditions:
Dilated cardiomyopathy 1O (CMD1O). Also called: CARDIOMYOPATHY, DILATED, WITH VENTRICULAR TACHYCARDIA. Identifiers: Orphanet 154, MedGen C1837839, MONDO:0012062, OMIM 608569.

gnomAD v4.1: 1 of 1,613,616 alleles (0.000062%); highest among the groups gnomAD compares: Non-Finnish European, 0.000085%; no homozygotes.

Submission:

Labcorp Genetics (formerly Invitae), Labcorp
Classification: Uncertain significance for Dilated cardiomyopathy 1O. Last evaluated: 2024-10-20. Review status: criteria provided, single submitter. Criteria: Invitae Variant Classification Sherloc (09022015). Collection method: clinical testing. Allele origin: germline.
Comment: This sequence change replaces isoleucine, which is neutral and non-polar, with valine, which is neutral and non-polar, at codon 318 of the ABCC9 protein (p.Ile318Val). This variant is not present in population databases (gnomAD no frequency). This variant has not been reported in the literature in individuals affected with ABCC9-related conditions. Invitae Evidence Modeling of protein sequence and biophysical properties (such as structural, functional, and spatial information, amino acid conservation, physicochemical variation, residue mobility, and thermodynamic stability) indicates that this missense variant is expected to disrupt ABCC9 protein function with a positive predictive value of 95%. In summary, the available evidence is currently insufficient to determine the role of this variant in disease. Therefore, it has been classified as a Variant of Uncertain Significance.